The following is an entry in ClinVar:

ClinVar aggregate classification (germline): Pathogenic (1 of 4 stars; one submission).

Conditions:
Pyridoxine-dependent epilepsy (EPEO4). Also called: Pyridoxine-Dependent Seizures; Pyridoxine-Dependent Epilepsy - ALDH7A1; PYRIDOXINE DEPENDENCY WITH SEIZURES; EPILEPSY, EARLY-ONSET, 4, VITAMIN B6-DEPENDENT. Identifiers: Orphanet 3006, MedGen C1849508, MONDO:0009945, OMIM 266100. Disease mechanism: loss of function.

Allele frequency attached by ClinVar (database versions not stated): TOPMed below 0.00001; gnomAD 0.00001.
gnomAD v4.1: 3 of 1,609,178 alleles (0.00019%); highest among the groups gnomAD compares: Non-Finnish European, 0.00025%; no homozygotes.

Submission:

Labcorp Genetics (formerly Invitae), Labcorp
Classification: Pathogenic for Pyridoxine-dependent epilepsy. Last evaluated: 2024-10-24. Review status: criteria provided, single submitter. Criteria: Invitae Variant Classification Sherloc (09022015). Collection method: clinical testing. Allele origin: germline.
Comment: This sequence change affects codon 53 of the ALDH7A1 mRNA. It is a 'silent' change, meaning that it does not change the encoded amino acid sequence of the ALDH7A1 protein. RNA analysis indicates that this variant induces altered splicing and may result in an absent or altered protein product. This variant is not present in population databases (gnomAD no frequency). This variant has been observed in individual(s) with pyridoxine-dependent epilepsy (PMID: 23350806). This variant is also known as c.75C>T, p.Val26fs. ClinVar contains an entry for this variant (Variation ID: 2136326). Studies have shown that this variant alters mRNA splicing and is expected to lead to the loss of protein expression (PMID: 23350806). For these reasons, this variant has been classified as Pathogenic.

Literature cited by the submitters: PubMed 23350806.

NM_001182.5(ALDH7A1):c.159C>T (p.Gly53=)

Gene: ALDH7A1 (aldehyde dehydrogenase 7 family member A1; minus strand). Cytogenetic location: 5q23.2.
Variant type: single nucleotide variant.
Coding change: c.159C>T on transcript NM_001182.5 (MANE Select); coding-DNA position 159, C replaced by T.
Protein change: p.Gly53=; no amino-acid change (glycine 53 retained).
Molecular consequence: synonymous variant.
Genome position (GRCh38, 1-based): chr5:126,595,040, G>A on the plus strand (C>T on the coding strand, the complement: ALDH7A1 is on the minus strand). VCF-style: chr5-126595040-G-A. GRCh37 (hg19) VCF-style: chr5-125930732-G-A.
Other names: c.75C>T, p.Gly25= (NM_001201377.2); c.159C>T, p.Gly53= (NM_001202404.2).
Identifiers: ClinVar variation 2136326 (VCV002136326.4), dbSNP rs972160076, ClinGen allele CA126927378.
Genomic context (GRCh38, chr5:126,595,040, plus strand): 5'-GCAGAGATTTCTTGAGCGCCCGCGTACCTCTCCCCGGCCTCCCCAGCTTCCATTATACAC[G>A]CCCTCGTTTTCCTCGCGGAGCCCCAGCTCTTTCAGCCACGCATACTGGGGCTGATTGATG-3'
Protein context (NP_001173.2, residues 43-63): KELGLREENE[Gly53=]VYNGSWGGRG